The following is an entry in ClinVar:

NM_001278116.2(L1CAM):c.2014C>T (p.Gln672Ter)

Gene: L1CAM (L1 cell adhesion molecule; minus strand). Cytogenetic location: Xq28.
Variant type: single nucleotide variant.
Coding change: c.2014C>T on transcript NM_001278116.2 (MANE Select); coding-DNA position 2014, C replaced by T.
Protein change: p.Gln672Ter; replaces glutamine 672 with a stop codon.
Molecular consequence: nonsense.
Genome position (GRCh38, 1-based): chrX:153,867,479, G>A on the plus strand (C>T on the coding strand, the complement: L1CAM is on the minus strand). VCF-style: chrX-153867479-G-A. GRCh37 (hg19) VCF-style: chrX-153132934-G-A.
Other names: c.2014C>T, p.Gln672Ter (NM_000425.5, NM_024003.3); c.1999C>T, p.Gln667Ter (NM_001143963.2); short protein forms Q672*, Q667*.
Identifiers: ClinVar variation 565824 (VCV000565824.7), dbSNP rs1569544723, ClinGen allele CA415121977.

ClinVar aggregate classification (germline): Pathogenic (1 of 4 stars; one submission).

Conditions:
Spastic paraplegia. Identifiers: MedGen C0037772, HP:0001258.

Submission:

Labcorp Genetics (formerly Invitae), Labcorp
Classification: Pathogenic for Spastic paraplegia. Last evaluated: 2018-06-13. Review status: criteria provided, single submitter. Criteria: Invitae Variant Classification Sherloc (09022015). Collection method: clinical testing. Allele origin: germline.
Comment: This variant is not present in population databases (ExAC no frequency). For these reasons, this variant has been classified as Pathogenic. Loss-of-function variants in L1CAM are known to be pathogenic (PMID: 19846429). This variant has not been reported in the literature in individuals with L1CAM-related disease. This sequence change creates a premature translational stop signal (p.Gln672*) in the L1CAM gene. It is expected to result in an absent or disrupted protein product.

Literature cited by the submitters: PubMed 19846429.